The following is an entry in ClinVar:

NM_021614.4(KCNN2):c.1499T>C (p.Ile500Thr)

Gene: KCNN2 (potassium calcium-activated channel subfamily N member 2; plus strand). Cytogenetic location: 5q22.3.
Variant type: single nucleotide variant.
Coding change: c.1499T>C on transcript NM_021614.4 (MANE Select); coding-DNA position 1499, T replaced by C.
Protein change: p.Ile500Thr; replaces isoleucine 500 with threonine.
Molecular consequence: missense variant.
Genome position (GRCh38, 1-based): chr5:114,404,718, T>C. VCF-style: chr5-114404718-T-C. GRCh37 (hg19) VCF-style: chr5-113740415-T-C.
Other names: c.1697T>C, p.Ile566Thr (NM_001372233.1); c.863T>C (NM_021614.2); short protein forms I500T, I566T.
Identifiers: ClinVar variation 1878691 (VCV001878691.5), dbSNP rs2531643404, ClinGen allele CA360705494.

ClinVar aggregate classification (germline): Conflicting classifications of pathogenicity. Review status: criteria provided, conflicting classifications (1 of 4 stars). 2 submissions from 2 submitters: Likely pathogenic (1); Uncertain significance (1). Last evaluated 2024-10-18.

Conditions:
Inborn genetic diseases. Identifiers: MedGen C0950123, MeSH D030342.

Submissions (2):

Ambry Genetics
Classification: Likely pathogenic for Inborn genetic diseases. Last evaluated: 2024-10-18. Review status: criteria provided, single submitter. Criteria: Ambry Variant Classification Scheme 2023. Collection method: clinical testing. Allele origin: germline.
Comment: The c.863T>C (p.I288T) alteration is located in coding exon 3 of the KCNN2 gene. This alteration results from a T to C substitution at nucleotide position 863, causing the isoleucine (I) at amino acid position 288 to be replaced by a threonine (T). This variant was not reported in population-based cohorts in the Genome Aggregation Database (gnomAD). This amino acid position is highly conserved in available vertebrate species. A variant at the same amino acid position in the Kcnn2 gene of the Trdk rat model was shown to cause autosomal dominant tremor that was evident at weaning and persisted throughout life. The Kcnn2 gene encodes the SK2 subunit of the small-conductance Ca2+-activated K+ channel and in vitro electrophysiological studies revealed that the p.I289N mutation in the rat model diminished SK2 channel activity (Kuramoto, 2017). This alteration is predicted to be deleterious by in silico analysis. Based on the available evidence, this alteration is classified as likely pathogenic.

GeneDx
Classification: Uncertain significance. Last evaluated: 2022-07-15. Review status: criteria provided, single submitter. Criteria: GeneDx Variant Classification Process June 2021. Collection method: clinical testing. Allele origin: germline. Affected: yes.
Comment: Not observed at significant frequency in large population cohorts (gnomAD); In silico analysis supports that this missense variant has a deleterious effect on protein structure/function; Has not been previously published as pathogenic or benign to our knowledge

Literature cited by the submitters: PubMed 28917524 (cited by Ambry Genetics).